The following is an entry in ClinVar:

ClinVar aggregate classification (germline): Benign/Likely benign. Review status: criteria provided, multiple submitters, no conflicts (2 of 4 stars). 7 submissions from 7 submitters: Benign (1); Likely benign (6). Last evaluated 2025-12-20.

Conditions:
Hereditary cancer-predisposing syndrome. Also called: Hereditary neoplastic syndrome; Tumor predisposition; Neoplastic Syndromes, Hereditary; Hereditary Cancer Syndrome. Identifiers: Orphanet 140162, MedGen C0027672, MeSH D009386, MONDO:0015356.
Juvenile polyposis syndrome (JPS). Identifiers: Orphanet 2929, MedGen C0345893, MONDO:0017380, OMIM 174900.
Familial thoracic aortic aneurysm and aortic dissection (TAAD). Also called: Thoracic aortic aneurysms and dissections. Identifiers: Orphanet 91387, MedGen C4707243, MONDO:0019625.
Juvenile polyposis/hereditary hemorrhagic telangiectasia syndrome (JPHT). Also called: Juvenile Polyposis Syndrome / Hereditary Hemorrhagic Telangiectasia (JPS/HHT); JP/HHT SYNDROME; JUVENILE POLYPOSIS WITH HEREDITARY HEMORRHAGIC TELANGIECTASIA; POLYPOSIS, GENERALIZED JUVENILE, WITH PULMONARY ARTERIOVENOUS MALFORMATION; TELANGIECTASIA, HEREDITARY HEMORRHAGIC, WITH JUVENILE POLYPOSIS COLI. Identifiers: Orphanet 2929, MedGen C1832942, MONDO:0008278, OMIM 175050.

Allele frequency attached by ClinVar (database versions not stated): gnomAD exomes below 0.00001 and 0.00001; TOPMed below 0.00001.
gnomAD v4.1: 16 of 1,614,090 alleles (0.00099%); highest among the groups gnomAD compares: Admixed American, 0.0017%; no homozygotes.

Submissions (7):

Labcorp Genetics (formerly Invitae), Labcorp
Classification: Likely benign for Juvenile polyposis syndrome. Last evaluated: 2025-12-20. Review status: criteria provided, single submitter. Criteria: Invitae Variant Classification Sherloc (09022015). Collection method: clinical testing. Allele origin: germline.

Quest Diagnostics Nichols Institute San Juan Capistrano
Classification: Likely benign. Last evaluated: 2025-09-13. Review status: criteria provided, single submitter. Criteria: Quest Diagnostics criteria. Collection method: clinical testing. Allele origin: unknown.

Myriad Genetics, Inc.
Classification: Benign for Juvenile polyposis/hereditary hemorrhagic telangiectasia syndrome. Last evaluated: 2025-03-20. Review status: criteria provided, single submitter. Criteria: Myriad Autosomal Dominant, Autosomal Recessive and X-Linked Classification Criteria (2023). Collection method: clinical testing. Allele origin: unknown.
Comment: This variant is considered benign. This variant is a silent/synonymous amino acid change and it is not expected to impact splicing.

All of Us Research Program, National Institutes of Health
Classification: Likely benign for Juvenile polyposis/hereditary hemorrhagic telangiectasia syndrome. Last evaluated: 2023-08-15. Review status: criteria provided, single submitter. Criteria: ACMG Guidelines, 2015. Collection method: clinical testing. Allele origin: germline. Inheritance: Autosomal dominant inheritance. Observed: 2 variant alleles, 2 heterozygotes.
Comment: This study involves interpretation of variants in research participants for the purpose of population health screening. Participant phenotype was not available at the time of variant classification. Additional details can be found in publication PMID: 35346344, PMCID: PMC8962531

Color Diagnostics, LLC DBA Color Health
Classification: Likely benign for Hereditary cancer-predisposing syndrome. Last evaluated: 2018-12-02. Review status: criteria provided, single submitter. Criteria: ACMG Guidelines, 2015. Collection method: clinical testing. Allele origin: germline.

GeneDx
Classification: Likely benign. Last evaluated: 2018-08-17. Review status: criteria provided, single submitter. Criteria: GeneDx Variant Classification Process June 2021. Collection method: clinical testing. Allele origin: germline. Affected: yes.

Ambry Genetics
Classification: Likely benign for Hereditary cancer-predisposing syndrome; Familial thoracic aortic aneurysm and aortic dissection. Last evaluated: 2018-01-16. Review status: criteria provided, single submitter. Criteria: Ambry Variant Classification Scheme 2023. Collection method: clinical testing. Allele origin: germline.

NM_005359.6(SMAD4):c.816G>A (p.Arg272=)

Gene: SMAD4 (SMAD family member 4; plus strand). Cytogenetic location: 18q21.2.
Variant type: single nucleotide variant.
Coding change: c.816G>A on transcript NM_005359.6 (MANE Select); coding-DNA position 816, G replaced by A.
Protein change: p.Arg272=; no amino-acid change (arginine 272 retained).
Molecular consequence: synonymous variant.
Genome position (GRCh38, 1-based): chr18:51,058,368, G>A. VCF-style: chr18-51058368-G-A. GRCh37 (hg19) VCF-style: chr18-48584738-G-A.
Identifiers: ClinVar variation 529957 (VCV000529957.22), dbSNP rs1231028123, ClinGen allele CA503993916.